The following is an entry in ClinVar:

NM_005996.4(TBX3):c.1714C>T (p.Leu572=)

Gene: TBX3 (T-box transcription factor 3; minus strand). Cytogenetic location: 12q24.21.
Variant type: single nucleotide variant.
Coding change: c.1714C>T on transcript NM_005996.4 (MANE Select); coding-DNA position 1714, C replaced by T.
Protein change: p.Leu572=; no amino-acid change (leucine 572 retained).
Molecular consequence: synonymous variant.
Genome position (GRCh38, 1-based): chr12:114,672,299, G>A on the plus strand (C>T on the coding strand, the complement: TBX3 is on the minus strand). VCF-style: chr12-114672299-G-A. GRCh37 (hg19) VCF-style: chr12-115110104-G-A.
Other names: c.1774C>T, p.Leu592= (NM_016569.4).
Identifiers: ClinVar variation 3058830 (VCV003058830.4), dbSNP rs1383103347, ClinGen allele CA482135915.
Genomic context (GRCh38, chr12:114,672,299, plus strand): 5'-CCGCTGCGGCCATGTACGTGTAGGGGTAAGGGAACAGGCTTCCGAAAGGGGACATGGCCA[G>A]GCCCTGGGGTGAGAAAAGAGACACACAGCGAGTCAGCCGGGTGGGAGGAGCTTATCTCAT-3'
Protein context (NP_005987.3, residues 562-582): LQQHVLASQG[Leu572=]AMSPFGSLFP

ClinVar aggregate classification (germline): Likely benign. Review status: criteria provided, single submitter (1 of 4 stars). 2 submissions from 2 submitters: Likely benign (1). 1 of the submissions does not count toward it. Last evaluated 2024-12-23.

Conditions:
TBX3-related disorder. Also called: TBX3-related condition.
Ulnar-mammary syndrome (UMS). Also called: Ulnar-mammary syndrome of Pallister; PALLISTER ULNAR-MAMMARY SYNDROME; SCHINZEL SYNDROME. Identifiers: Orphanet 3138, MedGen C1866994, MONDO:0008411, OMIM 181450.

Allele frequency attached by ClinVar (database versions not stated): gnomAD 0.00001; TOPMed 0.00001.
gnomAD v4.1: 13 of 1,547,338 alleles (0.00084%); highest among the groups gnomAD compares: African/African-American, 0.0041%; no homozygotes.

Submissions (2):

Labcorp Genetics (formerly Invitae), Labcorp
Classification: Likely benign for Ulnar-mammary syndrome. Last evaluated: 2024-12-23. Review status: criteria provided, single submitter. Criteria: Invitae Variant Classification Sherloc (09022015). Collection method: clinical testing. Allele origin: germline.

PreventionGenetics, part of Exact Sciences
Classification: Likely benign for TBX3-related condition. Last evaluated: 2021-05-17. Review status: no assertion criteria provided. Collection method: clinical testing. Allele origin: germline. Not counted in ClinVar's aggregate classification.
Comment: This variant is classified as likely benign based on ACMG/AMP sequence variant interpretation guidelines (Richards et al. 2015 PMID: 25741868, with internal and published modifications).